The following is an entry in ClinVar:

ClinVar aggregate classification (germline): Uncertain significance (1 of 4 stars; one submission).

Conditions:
Hereditary cancer-predisposing syndrome. Also called: Hereditary Cancer Syndrome; Hereditary neoplastic syndrome; Neoplastic Syndromes, Hereditary; Tumor predisposition. Identifiers: Orphanet 140162, MedGen C0027672, MeSH D009386, MONDO:0015356.

Submission:

Ambry Genetics
Classification: Uncertain significance for Hereditary cancer-predisposing syndrome. Last evaluated: 2021-06-30. Review status: criteria provided, single submitter. Criteria: Ambry Variant Classification Scheme 2023. Collection method: clinical testing. Allele origin: germline.
Comment: The p.D1485E variant (also known as c.4455T>G), located in coding exon 29 of the ATM gene, results from a T to G substitution at nucleotide position 4455. The aspartic acid at codon 1485 is replaced by glutamic acid, an amino acid with highly similar properties. This amino acid position is conserved. In addition, this alteration is predicted to be tolerated by in silico analysis. Since supporting evidence is limited at this time, the clinical significance of this alteration remains unclear.

NM_000051.4(ATM):c.4455T>G (p.Asp1485Glu)

Gene: ATM (ATM serine/threonine kinase; plus strand). Cytogenetic location: 11q22.3.
Variant type: single nucleotide variant.
Coding change: c.4455T>G on transcript NM_000051.4 (MANE Select); coding-DNA position 4455, T replaced by G.
Protein change: p.Asp1485Glu; replaces aspartic acid 1485 with glutamic acid.
Molecular consequence: missense variant.
Genome position (GRCh38, 1-based): chr11:108,292,637, T>G. VCF-style: chr11-108292637-T-G. GRCh37 (hg19) VCF-style: chr11-108163364-T-G.
Other names: c.4455T>G, p.Asp1485Glu (NM_001351834.2); short protein forms D1485E.
Identifiers: ClinVar variation 1740730 (VCV001740730.2), dbSNP rs1180514317, ClinGen allele CA382533004.